The following is an entry in ClinVar:

ClinVar aggregate classification (germline): Uncertain significance (1 of 4 stars; one submission).

Conditions:
Hereditary cancer-predisposing syndrome. Also called: Tumor predisposition; Neoplastic Syndromes, Hereditary; Hereditary neoplastic syndrome; Hereditary Cancer Syndrome. Identifiers: Orphanet 140162, MedGen C0027672, MeSH D009386, MONDO:0015356.

gnomAD v4.1: 2 of 1,614,136 alleles (0.00012%); highest among the groups gnomAD compares: South Asian, 0.0022%; no homozygotes.

Submission:

Ambry Genetics
Classification: Uncertain significance for Hereditary cancer-predisposing syndrome. Last evaluated: 2025-06-23. Review status: criteria provided, single submitter. Criteria: Ambry Variant Classification Scheme 2023. Collection method: clinical testing. Allele origin: germline.
Comment: The p.M228I variant (also known as c.684G>T), located in coding exon 3 of the MEN1 gene, results from a G to T substitution at nucleotide position 684. The methionine at codon 228 is replaced by isoleucine, an amino acid with highly similar properties. This amino acid position is well conserved in available vertebrate species. In addition, the in silico prediction for this alteration is inconclusive. Based on the available evidence, the clinical significance of this variant remains unclear.

NM_001370259.2(MEN1):c.684G>T (p.Met228Ile)

Gene: MEN1 (menin 1; minus strand). Cytogenetic location: 11q13.1.
Variant type: single nucleotide variant.
Coding change: c.684G>T on transcript NM_001370259.2 (MANE Select); coding-DNA position 684, G replaced by T.
Protein change: p.Met228Ile; replaces methionine 228 with isoleucine.
Molecular consequence: missense variant. On other transcripts: non-coding transcript variant (4).
Genome position (GRCh38, 1-based): chr11:64,807,651, C>A on the plus strand (G>T on the coding strand, the complement: MEN1 is on the minus strand). VCF-style: chr11-64807651-C-A. GRCh37 (hg19) VCF-style: chr11-64575123-C-A.
Other names: c.699G>T, p.Met233Ile (NM_130803.3, NM_130804.3, NM_001407150.1 and 5 more transcripts); c.684G>T, p.Met228Ile (NM_001407147.1, NM_001407152.1, NM_130799.3 and 7 more transcripts); c.579G>T, p.Met193Ile (NM_001407148.1, NM_001407149.1, NM_001407151.1 and 2 more transcripts); short protein forms M228I, M193I, M233I.
Identifiers: ClinVar variation 4106555 (VCV004106555.1).